The following is an entry in ClinVar:

NM_004260.4(RECQL4):c.95A>T (p.Glu32Val)

Genes: RECQL4 (RecQ like helicase 4; minus strand), LOC130001411 (ATAC-STARR-seq lymphoblastoid silent region 19699; plus strand). Cytogenetic location: 8q24.3.
Variant type: single nucleotide variant.
Coding change: c.95A>T on transcript NM_004260.4 (MANE Select); coding-DNA position 95, A replaced by T.
Protein change: p.Glu32Val; replaces glutamic acid 32 with valine.
Molecular consequence: missense variant. On other transcripts: 5 prime UTR variant (17), non-coding transcript variant (3), intron variant (1).
Genome position (GRCh38, 1-based): chr8:144,517,625, T>A on the plus strand (A>T on the coding strand, the complement: RECQL4 is on the minus strand). VCF-style: chr8-144517625-T-A. GRCh37 (hg19) VCF-style: chr8-145743009-T-A.
Other names: c.95A>T, p.Glu32Val (NM_001413017.1, NM_001413018.1, NM_001413019.1 and 5 more transcripts); c.-626A>T (NM_001413021.1); c.-977A>T (NM_001413022.1, NM_001413023.1, NM_001413037.1 and 2 more transcripts); c.-874A>T (NM_001413024.1, NM_001413035.1); c.-1039A>T (NM_001413027.1, NM_001413030.1, NM_001413031.1 and 1 more transcripts); c.-702A>T (NM_001413028.1); c.-936A>T (NM_001413032.1); c.-881A>T (NM_001413034.1); and 3 more; short protein forms E32V.
Identifiers: ClinVar variation 4863194 (VCV004863194.1).

ClinVar aggregate classification (germline): Uncertain significance (1 of 4 stars; one submission).

Conditions:
Inborn genetic diseases. Identifiers: MedGen C0950123, MeSH D030342.

Submission:

Ambry Genetics
Classification: Uncertain significance for Inborn genetic diseases. Last evaluated: 2026-05-18. Review status: criteria provided, single submitter. Criteria: Ambry Variant Classification Scheme 2023. Collection method: clinical testing. Allele origin: germline.
Comment: The p.E32V variant (also known as c.95A>T), located in coding exon 2 of the RECQL4 gene, results from an A to T substitution at nucleotide position 95. The glutamic acid at codon 32 is replaced by valine, an amino acid with dissimilar properties. This amino acid position is conserved. In addition, this alteration is predicted to be tolerated by in silico analysis. Based on the available evidence, the clinical significance of this variant remains unclear.